The following is an entry in ClinVar:

ClinVar aggregate classification (germline): Pathogenic/Likely pathogenic. Review status: criteria provided, multiple submitters, no conflicts (2 of 4 stars). 5 submissions from 5 submitters: Pathogenic (1); Likely pathogenic (4). Last evaluated 2025-08-15.

Conditions:
Tyrosinase-positive oculocutaneous albinism (OCA2). Also called: Oculocutaneous albinism type 2; ALBINISM II; Albinism, oculocutaneous, type II. Identifiers: Orphanet 79432, MedGen C0268495, MONDO:0008746, OMIM 203200.
SKIN/HAIR/EYE PIGMENTATION 1, BLUE/NONBLUE EYES (SHEP1). Also called: HAIR COLOR 3; BROWN EYE COLOR 2; EYE COLOR 3; EYE COLOR, BLUE/NONBLUE; EYE COLOR, BROWN/BLUE; SKIN/HAIR/EYE PIGMENTATION 1, BLOND/BROWN HAIR. Identifiers: MedGen C1856895, OMIM 227220.
OCA2-related disorder. Also called: OCA2-related condition.
Oculocutaneous albinism. Identifiers: Orphanet 55, MedGen C0078918, MONDO:0018910.

Allele frequency attached by ClinVar (database versions not stated): gnomAD exomes below 0.00001; ExAC 0.00001; gnomAD 0.00001; TOPMed 0.00001.
gnomAD v4.1: 4 of 1,614,064 alleles (0.00025%); highest among the groups gnomAD compares: South Asian, 0.0011%; no homozygotes.

Submissions (5):

Labcorp Genetics (formerly Invitae), Labcorp
Classification: Likely pathogenic. Last evaluated: 2025-08-15. Review status: criteria provided, single submitter. Criteria: Invitae Variant Classification Sherloc (09022015). Collection method: clinical testing. Allele origin: germline.
Comment: This sequence change replaces glycine, which is neutral and non-polar, with arginine, which is basic and polar, at codon 485 of the OCA2 protein (p.Gly485Arg). This variant is present in population databases (rs747214535, gnomAD 0.0009%). This missense change has been observed in individuals with oculocutaneous albinism (PMID: 20806075). ClinVar contains an entry for this variant (Variation ID: 315466). Invitae Evidence Modeling of protein sequence and biophysical properties (such as structural, functional, and spatial information, amino acid conservation, physicochemical variation, residue mobility, and thermodynamic stability) indicates that this missense variant is expected to disrupt OCA2 protein function with a positive predictive value of 80%. This variant disrupts the p.Gly485 amino acid residue in OCA2. Other variant(s) that disrupt this residue have been determined to be pathogenic (PMID: 18821858, 19060277, 29345414). This suggests that this residue is clinically significant, and that variants that disrupt this residue are likely to be disease-causing. In summary, the currently available evidence indicates that the variant is pathogenic, but additional data are needed to prove that conclusively. Therefore, this variant has been classified as Likely Pathogenic.

Fulgent Genetics
Classification: Likely pathogenic for Tyrosinase-positive oculocutaneous albinism; SKIN/HAIR/EYE PIGMENTATION 1, BLUE/NONBLUE EYES. Last evaluated: 2024-05-28. Review status: criteria provided, single submitter. Criteria: ACMG Guidelines, 2015. Collection method: clinical testing. Allele origin: germline.

Women's Health and Genetics/Laboratory Corporation of America, LabCorp
Classification: Likely pathogenic for Oculocutaneous albinism. Last evaluated: 2024-05-01. Review status: criteria provided, single submitter. Criteria: LabCorp Variant Classification Summary - May 2015. Collection method: clinical testing. Allele origin: germline.
Comment: Variant summary: OCA2 c.1453G>A (p.Gly485Arg) results in a non-conservative amino acid change located in the Citrate transporter-like domain (IPR004680) of the encoded protein sequence. Five of five in-silico tools predict a damaging effect of the variant on protein function. The variant allele was found at a frequency of 4e-06 in 251496 control chromosomes. c.1453G>A has been reported in the literature in homozygous state in individuals affected with Oculocutaneous Albinism (Renugadevi_2009, Renugadevi_2010). These data indicate that the variant is likely to be associated with disease. To our knowledge, no experimental evidence demonstrating an impact on protein function has been reported. However, a different missense change affecting the same amino acid (G485V) is reported in affected individuals (PMID: 19060277, 29345414; see HGDM) and is classified as likely pathogenic in ClinVar, indicating that this residue might be important for protein function. The following publications have been ascertained in the context of this evaluation (PMID: 19309806, 20806075). ClinVar contains an entry for this variant (Variation ID: 315466). Based on the evidence outlined above, the variant was classified as likely pathogenic.

Blueprint Genetics
Classification: Pathogenic for OCA2-related disorders. Last evaluated: 2019-09-28. Review status: criteria provided, single submitter. Criteria: ACMG Guidelines, 2015. Collection method: clinical testing. Allele origin: germline. Affected: yes. Observed: 1 variant allele.

Genetic Services Laboratory, University of Chicago
Classification: Likely pathogenic. Last evaluated: 2018-02-16. Review status: criteria provided, single submitter. Criteria: ACMG Guidelines, 2015. Collection method: clinical testing. Allele origin: germline. Affected: yes.

Literature cited by the submitters: PubMed 20806075 (cited by Labcorp Genetics (formerly Invitae), Labcorp and Women's Health and Genetics/Laboratory Corporation of America, LabCorp); PubMed 18821858 (cited by Labcorp Genetics (formerly Invitae), Labcorp); PubMed 19060277 (cited by Labcorp Genetics (formerly Invitae), Labcorp); PubMed 29345414 (cited by Labcorp Genetics (formerly Invitae), Labcorp); PubMed 19309806 (cited by Women's Health and Genetics/Laboratory Corporation of America, LabCorp).

NM_000275.3(OCA2):c.1453G>A (p.Gly485Arg)

Gene: OCA2 (OCA2 melanosomal transmembrane protein; minus strand). Cytogenetic location: 15q13.1.
Variant type: single nucleotide variant.
Coding change: c.1453G>A on transcript NM_000275.3 (MANE Select); coding-DNA position 1453, G replaced by A.
Protein change: p.Gly485Arg; replaces glycine 485 with arginine.
Molecular consequence: missense variant.
Genome position (GRCh38, 1-based): chr15:27,983,395, C>T on the plus strand (G>A on the coding strand, the complement: OCA2 is on the minus strand). VCF-style: chr15-27983395-C-T. GRCh37 (hg19) VCF-style: chr15-28228541-C-T.
Other names: c.1381G>A, p.Gly461Arg (NM_001300984.2); short protein forms G485R, G461R.
Identifiers: ClinVar variation 315466 (VCV000315466.14), dbSNP rs747214535, ClinGen allele CA7439033.